The following is an entry in ClinVar:

NM_024101.7(MLPH):c.992G>A (p.Arg331Gln)

Gene: MLPH (melanophilin; plus strand). Cytogenetic location: 2q37.3.
Variant type: single nucleotide variant.
Coding change: c.992G>A on transcript NM_024101.7 (MANE Select); coding-DNA position 992, G replaced by A.
Protein change: p.Arg331Gln; replaces arginine 331 with glutamine.
Molecular consequence: missense variant. On other transcripts: non-coding transcript variant (1), intron variant (1).
Genome position (GRCh38, 1-based): chr2:237,527,488, G>A. VCF-style: chr2-237527488-G-A. GRCh37 (hg19) VCF-style: chr2-238436131-G-A.
Other names: c.992G>A, p.Arg331Gln (NM_001042467.3); c.872G>A, p.Arg291Gln (NM_001281473.2); c.675+7459G>A (NM_001281474.2); c.992G>A (NM_024101.5); short protein forms R291Q, R331Q.
Identifiers: ClinVar variation 1305772 (VCV001305772.17), dbSNP rs113169138, ClinGen allele CA2190429.
Genomic context (GRCh38, chr2:237,527,488, plus strand): 5'-TGGACACCTCTGATGAGGAAAGCATCCGGGCTCACGTGATGGCCTCCCACCATTCCAAGC[G>A]GAGAGGCCGGGCGTCTTCTGAGAGTCAGGTAACGGTGGCTGGAAAGACTTCTGTCTTGTC-3'
Protein context (NP_077006.1, residues 321-341): AHVMASHHSK[Arg331Gln]RGRASSESQI

ClinVar aggregate classification (germline): Conflicting classifications of pathogenicity. Review status: criteria provided, conflicting classifications (1 of 4 stars). 5 submissions from 5 submitters: Uncertain significance (2); Likely benign (3). Last evaluated 2025-10-15.

Conditions:
Inborn genetic diseases. Identifiers: MedGen C0950123, MeSH D030342.

Allele frequency attached by ClinVar (database versions not stated): 1000 Genomes Project 0.00060; 1000 Genomes Project 30x 0.00062; ESP Exome Variant Server 0.00069.
gnomAD v4.1: 377 of 1,614,196 alleles (0.023%); highest among the groups gnomAD compares: African/African-American, 0.4%; 2 homozygotes.

Submissions (5):

Labcorp Genetics (formerly Invitae), Labcorp
Classification: Likely benign. Last evaluated: 2025-10-15. Review status: criteria provided, single submitter. Criteria: Invitae Variant Classification Sherloc (09022015). Collection method: clinical testing. Allele origin: germline.

CeGaT Center for Human Genetics Tuebingen
Classification: Likely benign. Last evaluated: 2025-10-01. Review status: criteria provided, single submitter. Criteria: CeGaT Center For Human Genetics Tuebingen Variant Classification Criteria Version 2. Collection method: clinical testing. Allele origin: germline. Affected: yes. Observed: 1 variant allele.
Comment: MLPH: BP4, BS2

Blueprint Genetics
Classification: Likely benign. Last evaluated: 2024-11-26. Review status: criteria provided, single submitter. Criteria: ACMG Guidelines, 2015. Collection method: clinical testing. Allele origin: germline.

Ambry Genetics
Classification: Uncertain significance for Inborn genetic diseases. Last evaluated: 2022-08-17. Review status: criteria provided, single submitter. Criteria: Ambry Variant Classification Scheme 2023. Collection method: clinical testing. Allele origin: germline.

GeneDx
Classification: Uncertain significance. Last evaluated: 2019-05-17. Review status: criteria provided, single submitter. Criteria: GeneDx Variant Classification Process June 2021. Collection method: clinical testing. Allele origin: germline. Affected: yes.
Comment: In silico analysis, which includes protein predictors and evolutionary conservation, supports that this variant does not alter protein structure/function; Has not been previously published as pathogenic or benign to our knowledge